The following is an entry in ClinVar:

NM_003579.4(RAD54L):c.1925G>A (p.Ser642Asn)

Genes: LRRC41 (leucine rich repeat containing 41; minus strand), RAD54L (RAD54 like; plus strand). Cytogenetic location: 1p34.1.
Variant type: single nucleotide variant.
Coding change: c.1925G>A on transcript NM_003579.4 (MANE Select); coding-DNA position 1925, G replaced by A.
Protein change: p.Ser642Asn; replaces serine 642 with asparagine.
Molecular consequence: missense variant. On other transcripts: 3 prime UTR variant (1).
Genome position (GRCh38, 1-based): chr1:46,277,872, G>A. VCF-style: chr1-46277872-G-A. GRCh37 (hg19) VCF-style: chr1-46743544-G-A.
Other names: c.*993C>T (NM_006369.5); c.1925G>A, p.Ser642Asn (NM_001142548.2); c.1385G>A, p.Ser462Asn (NM_001370766.1); short protein forms S462N, S642N.
Identifiers: ClinVar variation 3312458 (VCV003312458.1).
Genomic context (GRCh38, chr1:46,277,872, plus strand): 5'-CCCAGGCAGGGACCATTGAGGAGAAGATCTTCCAGCGTCAGAGCCACAAGAAGGCACTGA[G>A]CAGCTGTGTGGTGGATGAGGAGCAGGATGTAGAGCGCCACTTCTCTCTGGGCGAGTTGAA-3'
Protein context (NP_003570.2, residues 632-652): FQRQSHKKAL[Ser642Asn]SCVVDEEQDV

ClinVar aggregate classification (germline): Uncertain significance (1 of 4 stars; one submission).

Submission:

Ambry Genetics
Classification: Uncertain significance. Last evaluated: 2024-04-17. Review status: criteria provided, single submitter. Criteria: Ambry Variant Classification Scheme 2023. Collection method: clinical testing. Allele origin: germline.
Comment: The p.S642N variant (also known as c.1925G>A), located in coding exon 17 of the RAD54L gene, results from a G to A substitution at nucleotide position 1925. The serine at codon 642 is replaced by asparagine, an amino acid with highly similar properties. This amino acid position is conserved. In addition, this alteration is predicted to be tolerated by in silico analysis. Based on the available evidence, the clinical significance of this variant remains unclear.